The following is an entry in ClinVar:

ClinVar aggregate classification (germline): Pathogenic (1 of 4 stars; one submission).

Conditions:
Neurofibromatosis, type 1 (NF1). Also called: Neurofibromatosis, type I; VON RECKLINGHAUSEN DISEASE; NEUROFIBROMATOSIS, TYPE I, SOMATIC; Peripheral type neurofibromatosis. Identifiers: Orphanet 636, MedGen C0027831, MONDO:0018975, OMIM 162200. Disease mechanism: loss of function.

Submission:

Labcorp Genetics (formerly Invitae), Labcorp
Classification: Pathogenic for Neurofibromatosis, type 1. Last evaluated: 2020-11-05. Review status: criteria provided, single submitter. Criteria: Invitae Variant Classification Sherloc (09022015). Collection method: clinical testing. Allele origin: germline.
Comment: For these reasons, this variant has been classified as Pathogenic. This variant has not been reported in the literature in individuals with NF1-related conditions. This variant is not present in population databases (ExAC no frequency). This sequence change creates a premature translational stop signal (p.Ala1453Glyfs*8) in the NF1 gene. It is expected to result in an absent or disrupted protein product. Loss-of-function variants in NF1 are known to be pathogenic (PMID: 10712197, 23913538).

Literature cited by the submitters: PubMed 10712197; PubMed 23913538.

NM_001042492.3(NF1):c.4420dup (p.Ala1474fs)

Gene: NF1 (neurofibromin 1; plus strand). Cytogenetic location: 17q11.2.
Variant type: Duplication.
Coding change: c.4420dup on transcript NM_001042492.3 (MANE Select); coding-DNA position 4420, one base duplicated (G; older notation c.4420dupG).
Protein change: p.Ala1474fs; shifts the reading frame from alanine 1474.
Molecular consequence: frameshift variant.
Genome position (GRCh38, 1-based): chr17:31,259,119, G duplicated. VCF-style (leftmost placement, unchanged base first): chr17-31259118-T-TG. GRCh37 (hg19) VCF-style: chr17-29586136-T-TG.
Other names: c.4357dup, p.Ala1453Glyfs (NM_000267.4); short protein forms A1474fs, A1453fs.
Identifiers: ClinVar variation 1455367 (VCV001455367.6), dbSNP rs2151463199, ClinGen allele CA2573153631.